The following is an entry in ClinVar:

ClinVar aggregate classification (germline): Uncertain significance. Review status: criteria provided, multiple submitters, no conflicts (2 of 4 stars). 5 submissions from 5 submitters: Uncertain significance (5). Last evaluated 2025-11-15.

Conditions:
Classic or attenuated familial adenomatous polyposis. Identifiers: MedGen CN372698, MONDO:0021057.
Familial adenomatous polyposis 1 (FAP1). Also called: FAMILIAL ADENOMATOUS POLYPOSIS 1, ATTENUATED; POLYPOSIS, ADENOMATOUS INTESTINAL. Identifiers: MedGen C2713442, MONDO:0021056, OMIM 175100. Disease mechanism: loss of function.
Hereditary cancer-predisposing syndrome. Also called: Neoplastic Syndromes, Hereditary; Tumor predisposition; Hereditary Cancer Syndrome; Hereditary neoplastic syndrome. Identifiers: Orphanet 140162, MedGen C0027672, MeSH D009386, MONDO:0015356.

Allele frequency attached by ClinVar (database versions not stated): gnomAD exomes below 0.00001; gnomAD 0.00001; TOPMed 0.00001.
gnomAD v4.1: 6 of 1,613,760 alleles (0.00037%); highest among the groups gnomAD compares: Admixed American, 0.0017%; no homozygotes.

Submissions (5):

Labcorp Genetics (formerly Invitae), Labcorp
Classification: Uncertain significance for Familial adenomatous polyposis 1. Last evaluated: 2025-11-15. Review status: criteria provided, single submitter. Criteria: Invitae Variant Classification Sherloc (09022015). Collection method: clinical testing. Allele origin: germline.
Comment: This sequence change replaces glutamine, which is neutral and polar, with histidine, which is basic and polar, at codon 1764 of the APC protein (p.Gln1764His). This variant is present in population databases (no rsID available, gnomAD 0.003%). This variant has not been reported in the literature in individuals affected with APC-related conditions. ClinVar contains an entry for this variant (Variation ID: 233903). Invitae Evidence Modeling of protein sequence and biophysical properties (such as structural, functional, and spatial information, amino acid conservation, physicochemical variation, residue mobility, and thermodynamic stability) indicates that this missense variant is not expected to disrupt APC protein function with a negative predictive value of 95%. In summary, the available evidence is currently insufficient to determine the role of this variant in disease. Therefore, it has been classified as a Variant of Uncertain Significance.

Ambry Genetics
Classification: Uncertain significance for Hereditary cancer-predisposing syndrome. Last evaluated: 2024-04-12. Review status: criteria provided, single submitter. Criteria: Ambry Variant Classification Scheme 2023. Collection method: clinical testing. Allele origin: germline.
Comment: The p.Q1764H variant (also known as c.5292G>C), located in coding exon 15 of the APC gene, results from a G to C substitution at nucleotide position 5292. The glutamine at codon 1764 is replaced by histidine, an amino acid with highly similar properties. This amino acid position is well conserved in available vertebrate species. In addition, in silico predictors for this gene do not accurately predict pathogenicity. Since supporting evidence is limited at this time, the clinical significance of this alteration remains unclear.

Color Diagnostics, LLC DBA Color Health
Classification: Uncertain significance for Hereditary cancer-predisposing syndrome. Last evaluated: 2024-03-06. Review status: criteria provided, single submitter. Criteria: ACMG Guidelines, 2015. Collection method: clinical testing. Allele origin: germline.
Comment: This missense variant replaces glutamine with histidine at codon 1764 of the APC protein. Computational prediction suggests that this variant may not impact protein structure and function (internally defined REVEL score threshold <= 0.5, PMID: 27666373). To our knowledge, functional studies have not been reported for this variant. This variant has not been reported in individuals affected with APC-related disorders in the literature. This variant has been identified in 2/281912 chromosomes in the general population by the Genome Aggregation Database (gnomAD). The available evidence is insufficient to determine the role of this variant in disease conclusively. Therefore, this variant is classified as a Variant of Uncertain Significance.

All of Us Research Program, National Institutes of Health
Classification: Uncertain significance for Classic or attenuated familial adenomatous polyposis. Last evaluated: 2023-06-26. Review status: criteria provided, single submitter. Criteria: ACMG Guidelines, 2015. Collection method: clinical testing. Allele origin: germline. Inheritance: Autosomal dominant inheritance. Observed: 1 variant allele, 1 heterozygote.
Comment: This missense variant replaces glutamine with histidine at codon 1764 of the APC protein. Computational prediction suggests that this variant may not impact protein structure and function (internally defined REVEL score threshold <= 0.5, PMID: 27666373). To our knowledge, functional studies have not been reported for this variant. This variant has not been reported in individuals affected with APC-related disorders in the literature. This variant has been identified in 2/281912 chromosomes in the general population by the Genome Aggregation Database (gnomAD). The available evidence is insufficient to determine the role of this variant in disease conclusively. Therefore, this variant is classified as a Variant of Uncertain Significance.

This study involves interpretation of variants in research participants for the purpose of population health screening. Participant phenotype was not available at the time of variant classification. Additional details can be found in publication PMID: 35346344, PMCID: PMC8962531

GeneDx
Classification: Uncertain significance. Last evaluated: 2020-09-25. Review status: criteria provided, single submitter. Criteria: GeneDx Variant Classification Process June 2021. Collection method: clinical testing. Allele origin: germline. Affected: yes.
Comment: Not observed at a significant frequency in large population cohorts (Lek 2016); In silico analysis supports that this missense variant does not alter protein structure/function; Has not been previously published as pathogenic or benign to our knowledge

NM_000038.6(APC):c.5292G>C (p.Gln1764His)

Gene: APC (APC regulator of Wnt signaling pathway; plus strand). Cytogenetic location: 5q22.2.
Variant type: single nucleotide variant.
Coding change: c.5292G>C on transcript NM_000038.6 (MANE Select); coding-DNA position 5292, G replaced by C.
Protein change: p.Gln1764His; replaces glutamine 1764 with histidine.
Molecular consequence: missense variant.
Genome position (GRCh38, 1-based): chr5:112,840,886, G>C. VCF-style: chr5-112840886-G-C. GRCh37 (hg19) VCF-style: chr5-112176583-G-C.
Other names: c.5292G>C, p.Gln1764His (NM_001127510.3, NM_001354895.2); c.5238G>C, p.Gln1746His (NM_001127511.3); c.5346G>C, p.Gln1782His (NM_001354896.2); c.5322G>C, p.Gln1774His (NM_001354897.2); c.5217G>C, p.Gln1739His (NM_001354898.2); c.5208G>C, p.Gln1736His (NM_001354899.2); c.5169G>C, p.Gln1723His (NM_001354900.2); c.5115G>C, p.Gln1705His (NM_001354901.2); and 5 more; short protein forms Q1746H, Q1764H, Q1736H, Q1481H, Q1604H, Q1782H, Q1638H, Q1663H.
Identifiers: ClinVar variation 233903 (VCV000233903.21), dbSNP rs876660722, ClinGen allele CA10578401.
Genomic context (GRCh38, chr5:112,840,886, plus strand): 5'-AAAGATAATGGACCAGGTCCAGCAAGCATCTGCGTCTTCTTCTGCACCCAACAAAAATCA[G>C]TTAGATGGTAAGAAAAAGAAACCAACTTCACCAGTAAAACCTATACCACAAAATACTGAA-3'
Protein context (NP_000029.2, residues 1754-1774): SASSSAPNKN[Gln1764His]LDGKKKKPTS